The following is an entry in ClinVar:

ClinVar aggregate classification (germline): Likely benign. Review status: criteria provided, multiple submitters, no conflicts (2 of 4 stars). 2 submissions from 2 submitters: Likely benign (2). Last evaluated 2024-03-24.

Conditions:
Cardiovascular phenotype. Identifiers: MedGen CN230736.
Catecholaminergic polymorphic ventricular tachycardia (CVPT). Also called: Catecholamine-induced polymorphic ventricular tachycardia. Identifiers: Orphanet 3286, MedGen C5574922, MONDO:0017990.

Submissions (2):

All of Us Research Program, National Institutes of Health
Classification: Likely benign for Catecholaminergic polymorphic ventricular tachycardia. Last evaluated: 2024-03-24. Review status: criteria provided, single submitter. Criteria: ACMG Guidelines, 2015. Collection method: clinical testing. Allele origin: germline. Inheritance: Autosomal dominant inheritance. Observed: 1 variant allele, 1 heterozygote.
Comment: This study involves interpretation of variants in research participants for the purpose of population health screening. Participant phenotype was not available at the time of variant classification. Additional details can be found in publication PMID: 35346344, PMCID: PMC8962531

Ambry Genetics
Classification: Likely benign for Cardiovascular phenotype. Last evaluated: 2021-01-11. Review status: criteria provided, single submitter. Criteria: Ambry Variant Classification Scheme 2023. Collection method: clinical testing. Allele origin: germline.

NM_001035.3(RYR2):c.10782G>A (p.Gln3594=)

Gene: RYR2 (ryanodine receptor 2; plus strand). Cytogenetic location: 1q43.
Variant type: single nucleotide variant.
Coding change: c.10782G>A on transcript NM_001035.3 (MANE Select); coding-DNA position 10782, G replaced by A.
Protein change: p.Gln3594=; no amino-acid change (glutamine 3594 retained).
Molecular consequence: synonymous variant.
Genome position (GRCh38, 1-based): chr1:237,727,143, G>A. VCF-style: chr1-237727143-G-A. GRCh37 (hg19) VCF-style: chr1-237890443-G-A.
Identifiers: ClinVar variation 1785324 (VCV001785324.3), dbSNP rs2526999544, ClinGen allele CA423820675.